The following is an entry in ClinVar:

ClinVar aggregate classification (germline): Uncertain significance (1 of 4 stars; one submission).

Conditions:
SEMA3B-related disorder. Also called: SEMA3B-related condition.

Allele frequency attached by ClinVar (database versions not stated): ExAC 0.00004; ESP Exome Variant Server 0.00024.
gnomAD v4.1: 128 of 1,561,038 alleles (0.0082%); highest among the groups gnomAD compares: Non-Finnish European, 0.01%; no homozygotes.

Submission:

PreventionGenetics, part of Exact Sciences
Classification: Uncertain significance for SEMA3B-related condition. Last evaluated: 2025-06-24. Review status: criteria provided, single submitter. Criteria: ACMG Guidelines, 2015. Collection method: clinical testing. Allele origin: germline.
Comment: The SEMA3B c.663T>C variant is not predicted to result in an amino acid change (p.=). Although this variant is not predicted to alter splicing based on available splicing prediction programs (SpliceAI, Jaganathan et al. 2019. PubMed ID: 30661751), it has been reported in at least one individual with developmental disorders (Table S1, Kaplanis et al. 2020. PubMed ID: 33057194; Supplementary Data 3, Zhou et al. 2022. PubMed ID: 35982159). This variant is reported in 0.014% of alleles in individuals of European (Non-Finnish) descent in gnomAD. At this time, the clinical significance of this variant is uncertain due to the absence of conclusive functional and genetic evidence.

NM_001290060.2(SEMA3B):c.663T>C (p.Asn221=)

Gene: SEMA3B (semaphorin 3B; plus strand). Cytogenetic location: 3p21.31.
Variant type: single nucleotide variant.
Coding change: c.663T>C on transcript NM_001290060.2 (MANE Select); coding-DNA position 663, T replaced by C.
Protein change: p.Asn221=; no amino-acid change (asparagine 221 retained).
Molecular consequence: synonymous variant.
Genome position (GRCh38, 1-based): chr3:50,271,479, T>C. VCF-style: chr3-50271479-T-C. GRCh37 (hg19) VCF-style: chr3-50308910-T-C.
Other names: c.663T>C, p.Asn221= (NM_001005914.3, NM_001290061.1, NM_004636.4).
Identifiers: ClinVar variation 3047801 (VCV003047801.3), dbSNP rs369647277, ClinGen allele CA2413812.